The following is an entry in ClinVar:

ClinVar aggregate classification (germline): Uncertain significance (1 of 4 stars; one submission).

gnomAD v4.1: 16 of 1,582,800 alleles (0.001%); highest among the groups gnomAD compares: Non-Finnish European, 0.0013%; no homozygotes.

Submission:

Labcorp Genetics (formerly Invitae), Labcorp
Classification: Uncertain significance. Last evaluated: 2022-12-13. Review status: criteria provided, single submitter. Criteria: Invitae Variant Classification Sherloc (09022015). Collection method: clinical testing. Allele origin: germline.
Comment: This sequence change replaces glycine, which is neutral and non-polar, with serine, which is neutral and polar, at codon 45 of the ZCCHC8 protein (p.Gly45Ser). This variant is not present in population databases (gnomAD no frequency). This variant has not been reported in the literature in individuals affected with ZCCHC8-related conditions. Algorithms developed to predict the effect of missense changes on protein structure and function are either unavailable or do not agree on the potential impact of this missense change (SIFT: "Tolerated"; PolyPhen-2: "Not Available"; Align-GVGD: "Class C0"). In summary, the available evidence is currently insufficient to determine the role of this variant in disease. Therefore, it has been classified as a Variant of Uncertain Significance.

NM_017612.5(ZCCHC8):c.133G>A (p.Gly45Ser)

Gene: ZCCHC8 (zinc finger CCHC-type containing 8; minus strand). Cytogenetic location: 12q24.31.
Variant type: single nucleotide variant.
Coding change: c.133G>A on transcript NM_017612.5 (MANE Select); coding-DNA position 133, G replaced by A.
Protein change: p.Gly45Ser; replaces glycine 45 with serine.
Molecular consequence: missense variant. On other transcripts: 5 prime UTR variant (3).
Genome position (GRCh38, 1-based): chr12:122,500,708, C>T on the plus strand (G>A on the coding strand, the complement: ZCCHC8 is on the minus strand). VCF-style: chr12-122500708-C-T. GRCh37 (hg19) VCF-style: chr12-122985255-C-T.
Other names: c.133G>A, p.Gly45Ser (NM_001350935.2); c.-791G>A (NM_001350936.2); c.-412G>A (NM_001350937.2); c.-306G>A (NM_001350938.2); short protein forms G45S.
Identifiers: ClinVar variation 2990753 (VCV002990753.3), dbSNP rs760226500, ClinGen allele CA482210629.